The following is an entry in ClinVar:

NM_001077365.2(POMT1):c.1272+249_1272+303del

Gene: POMT1 (protein O-mannosyltransferase 1; plus strand). Cytogenetic location: 9q34.13.
Variant type: Deletion.
Coding change: c.1272+249_1272+303del on transcript NM_001077365.2 (MANE Select); bases 249 to 303 of the intron after coding-DNA position 1272, 55 bases deleted.
Molecular consequence: intron variant.
Genome position (GRCh38, 1-based): chr9:131,515,771-131,515,825, 55 bases deleted. GRCh37 (hg19): chr9:134,391,158-134,391,212.
Other names: c.1338+212_1338+266del55 (NM_007171.3); c.1176+249_1176+303del (NM_001353198.2, NM_001353197.2); c.1338+249_1338+303del (NM_001353193.2, NM_007171.4); c.1272+249_1272+303del (NM_001136113.2, NM_001374690.1); c.1110+249_1110+303del (NM_001353194.2, NM_001077366.2); c.921+249_921+303del (NM_001374691.1, NM_001353195.2, NM_001374692.1 and 2 more transcripts); c.1182+249_1182+303del (NM_001353196.2); c.882+249_882+303del (NM_001374695.1); and 3 more.
Identifiers: ClinVar variation 677412 (VCV000677412.1), dbSNP rs1564366378, ClinGen allele CA590753239.

ClinVar aggregate classification (germline): Benign (1 of 4 stars; one submission).

Submission:

GeneDx
Classification: Benign. Last evaluated: 2018-06-14. Review status: criteria provided, single submitter. Criteria: GeneDx Variant Classification (06012015). Collection method: clinical testing. Allele origin: germline. Affected: yes.
Comment: This variant is considered likely benign or benign based on one or more of the following criteria: it is a conservative change, it occurs at a poorly conserved position in the protein, it is predicted to be benign by multiple in silico algorithms, and/or has population frequency not consistent with disease.